The following is an entry in ClinVar:

NM_000593.6(TAP1):c.1507G>T (p.Val503Phe)

Gene: TAP1 (transporter 1, ATP binding cassette subfamily B member; minus strand). Cytogenetic location: 6p21.32.
Variant type: single nucleotide variant.
Coding change: c.1507G>T on transcript NM_000593.6 (MANE Select); coding-DNA position 1507, G replaced by T.
Protein change: p.Val503Phe; replaces valine 503 with phenylalanine.
Molecular consequence: missense variant.
Genome position (GRCh38, 1-based): chr6:32,848,711, C>A on the plus strand (G>T on the coding strand, the complement: TAP1 is on the minus strand). VCF-style: chr6-32848711-C-A. GRCh37 (hg19) VCF-style: chr6-32816488-C-A.
Other names: c.904G>T, p.Val302Phe (NM_001292022.2); c.1687G>T (NM_000593.5); short protein forms V302F, V503F.
Identifiers: ClinVar variation 1002889 (VCV001002889.6), dbSNP rs751780479, ClinGen allele CA3746768.

ClinVar aggregate classification (germline): Uncertain significance. Review status: criteria provided, multiple submitters, no conflicts (2 of 4 stars). 3 submissions from 3 submitters: Uncertain significance (3). Last evaluated 2026-02-25.

Conditions:
MHC class I deficiency. Identifiers: Orphanet 34592, MedGen C6024714, MONDO:0011476.
Inborn genetic diseases. Identifiers: MedGen C0950123, MeSH D030342.

Allele frequency attached by ClinVar (database versions not stated): gnomAD 0.00002 and 0.00001; TOPMed 0.00003; ExAC 0.00001; gnomAD exomes below 0.00001.
gnomAD v4.1: 53 of 1,613,986 alleles (0.0033%); highest among the groups gnomAD compares: Non-Finnish European, 0.0042%; no homozygotes.

Submissions (3):

Women's Health and Genetics/Laboratory Corporation of America, LabCorp
Classification: Uncertain significance. Last evaluated: 2026-02-25. Review status: criteria provided, single submitter. Criteria: LabCorp Variant Classification Summary - May 2015. Collection method: clinical testing. Allele origin: germline.
Comment: Variant summary: TAP1 c.1507G>T (p.Val503Phe) results in a non-conservative amino acid change in the encoded protein sequence. Algorithms developed to predict the effect of missense changes on protein structure and function are either unavailable or do not agree on the potential impact of this missense change. The variant allele was found at a frequency of 4e-06 in 251494 control chromosomes. The available data on variant occurrences in the general population are insufficient to allow any conclusion about variant significance. To our knowledge, no occurrence of c.1507G>T in individuals affected with TAP1-related conditions and no experimental evidence demonstrating its impact on protein function have been reported. ClinVar contains an entry for this variant (Variation ID: 1002889). Based on the evidence outlined above, the variant was classified as uncertain significance.

Ambry Genetics
Classification: Uncertain significance for Inborn genetic diseases. Last evaluated: 2025-04-14. Review status: criteria provided, single submitter. Criteria: Ambry Variant Classification Scheme 2023. Collection method: clinical testing. Allele origin: germline.

Labcorp Genetics (formerly Invitae), Labcorp
Classification: Uncertain significance for MHC class I deficiency 1. Last evaluated: 2021-09-01. Review status: criteria provided, single submitter. Criteria: Invitae Variant Classification Sherloc (09022015). Collection method: clinical testing. Allele origin: germline.